The following is an entry in ClinVar:

ClinVar aggregate classification (germline): Likely pathogenic (1 of 4 stars; one submission).

Conditions:
Amyotrophic lateral sclerosis type 12 (ALS12). Also called: AMYOTROPHIC LATERAL SCLEROSIS 12 WITH OR WITHOUT FRONTOTEMPORAL DEMENTIA. Identifiers: Orphanet 803, MedGen C3150692, MONDO:0013264, OMIM 613435.
Primary open angle glaucoma (POAG). Also called: OPTN-related open angle glaucoma. Identifiers: MedGen C0339573, MONDO:0100553, OMIM 137760.
Glaucoma 1, open angle, E. Identifiers: MedGen C1842026, MONDO:0007665.

Allele frequency attached by ClinVar (database versions not stated): gnomAD exomes below 0.00001; TOPMed below 0.00001; gnomAD 0.00001; ExAC 0.00002.
gnomAD v4.1: 6 of 1,610,510 alleles (0.00037%); highest among the groups gnomAD compares: Admixed American, 0.0017%; 1 homozygote.

Submissions (2):

Labcorp Genetics (formerly Invitae), Labcorp
Classification: Likely pathogenic for Primary open angle glaucoma; Glaucoma 1, open angle, E; Amyotrophic lateral sclerosis type 12. Last evaluated: 2022-07-25. Review status: criteria provided, single submitter. Criteria: Invitae Variant Classification Sherloc (09022015). Collection method: clinical testing. Allele origin: germline.
Comment: This variant is present in population databases (rs113349726, gnomAD 0.004%). In summary, the currently available evidence indicates that the variant is pathogenic, but additional data are needed to prove that conclusively. Therefore, this variant has been classified as Likely Pathogenic. Algorithms developed to predict the effect of sequence changes on RNA splicing suggest that this variant may disrupt the consensus splice site. This variant has not been reported in the literature in individuals affected with OPTN-related conditions. This sequence change affects a donor splice site in intron 3 of the OPTN gene. It is expected to disrupt RNA splicing. Variants that disrupt the donor or acceptor splice site typically lead to a loss of protein function (PMID: 16199547), and loss-of-function variants in OPTN are known to be pathogenic (PMID: 20428114).

Dr. Peter K. Rogan Lab, Western University
No classification provided (evidence only). Condition: Ovarian serous cystadenocarcinoma. Review status: no classification provided. Collection method: in vitro. Allele origin: not applicable. Functional consequence: skipped exon, retained intron. Not counted in ClinVar's aggregate classification.

Literature cited by the submitters: PubMed 16199547 (cited by Labcorp Genetics (formerly Invitae), Labcorp); PubMed 20428114 (cited by Labcorp Genetics (formerly Invitae), Labcorp).

NM_001008212.2(OPTN):c.369+2T>C

Genes: OPTN (optineurin; plus strand), LOC108903148 (10p13 OPTN distal Alu-mediated recombination region; plus strand). Cytogenetic location: 10p13.
Variant type: single nucleotide variant.
Coding change: c.369+2T>C on transcript NM_001008212.2 (MANE Select); the canonical splice donor site of the intron after coding-DNA position 369, T replaced by C.
Molecular consequence: splice donor variant.
Genome position (GRCh38, 1-based): chr10:13,110,478, T>C. VCF-style: chr10-13110478-T-C. GRCh37 (hg19) VCF-style: chr10-13152478-T-C.
Other names: c.369+2T>C (NM_001008211.1, NM_001008213.1, NM_021980.4).
Identifiers: ClinVar variation 2086175 (VCV002086175.5), dbSNP rs113349726, ClinGen allele CA5410571.